The following is an entry in ClinVar:

NM_001114753.3(ENG):c.794C>A (p.Ala265Asp)

Gene: ENG (endoglin; minus strand). Cytogenetic location: 9q34.11.
Variant type: single nucleotide variant.
Coding change: c.794C>A on transcript NM_001114753.3 (MANE Select); coding-DNA position 794, C replaced by A.
Protein change: p.Ala265Asp; replaces alanine 265 with aspartic acid.
Molecular consequence: missense variant.
Genome position (GRCh38, 1-based): chr9:127,825,253, G>T on the plus strand (C>A on the coding strand, the complement: ENG is on the minus strand). VCF-style: chr9-127825253-G-T. GRCh37 (hg19) VCF-style: chr9-130587532-G-T.
Other names: c.794C>A, p.Ala265Asp (NM_000118.4, NM_001406715.1); c.248C>A, p.Ala83Asp (NM_001278138.2); short protein forms A83D, A265D.
Identifiers: ClinVar variation 1447221 (VCV001447221.9), dbSNP rs2131887657, ClinGen allele CA374983126.

ClinVar aggregate classification (germline): Uncertain significance (1 of 4 stars; one submission).

Conditions:
Hereditary hemorrhagic telangiectasia (HHT). Also called: ORW DISEASE; Osler Weber Rendu syndrome; OSLER-RENDU-WEBER DISEASE; Osler hemorrhagic telangiectasia syndrome. Identifiers: Orphanet 774, MedGen C0039445, MONDO:0019180. Disease mechanism: loss of function.

Submission:

Labcorp Genetics (formerly Invitae), Labcorp
Classification: Uncertain significance for Hereditary hemorrhagic telangiectasia. Last evaluated: 2021-04-23. Review status: criteria provided, single submitter. Criteria: Invitae Variant Classification Sherloc (09022015). Collection method: clinical testing. Allele origin: germline.
Comment: Advanced modeling of protein sequence and biophysical properties (such as structural, functional, and spatial information, amino acid conservation, physicochemical variation, residue mobility, and thermodynamic stability) performed at Invitae indicates that this missense variant is not expected to disrupt ENG protein function. This variant has not been reported in the literature in individuals with ENG-related conditions. This variant is not present in population databases (ExAC no frequency). This sequence change replaces alanine with aspartic acid at codon 265 of the ENG protein (p.Ala265Asp). The alanine residue is weakly conserved and there is a moderate physicochemical difference between alanine and aspartic acid. In summary, the available evidence is currently insufficient to determine the role of this variant in disease. Therefore, it has been classified as a Variant of Uncertain Significance.